The following is an entry in ClinVar:

NM_001048174.2(MUTYH):c.1103-32_1115del

Gene: MUTYH (mutY DNA glycosylase; minus strand). Cytogenetic location: 1p34.1.
Variant type: Deletion.
Coding change: c.1103-32_1115del on transcript NM_001048174.2 (MANE Select); 32 bases into the intron before coding-DNA position 1103 through coding-DNA position 1115, 45 bases deleted.
Molecular consequence: splice acceptor variant.
Genome position (GRCh38, 1-based): chr1:45,331,544-45,331,588, 45 bases deleted; deleting any 45 consecutive bases within chr1:45,331,544-45,331,591 gives the same sequence; the c. name uses the placement nearest the transcript's 3' end. GRCh37 (hg19): chr1:45,797,219-45,797,263.
Other names: c.758-32_770del (NM_001350651.2, NM_001350650.2); c.827-32_839del (NM_001293192.2, NM_001293196.2); c.1103-32_1115del (NM_001048171.2, NM_001048173.2, NM_001293195.2); c.1148-32_1160del (NM_001293190.2); c.1178-32_1190del (NM_012222.3); c.1187-32_1199del (NM_001128425.2); c.1106-32_1118del (NM_001048172.2); c.1136-32_1148del (NM_001293191.2); and 2 more.
Identifiers: ClinVar variation 265534 (VCV000265534.9), dbSNP rs886039606, ClinGen allele CA10588298.

ClinVar aggregate classification (germline): Pathogenic/Likely pathogenic. Review status: criteria provided, multiple submitters, no conflicts (2 of 4 stars). 2 submissions from 2 submitters: Pathogenic (1); Likely pathogenic (1). Last evaluated 2019-09-26.

Conditions:
Familial adenomatous polyposis 2. Also called: FAP type 2; MUTYH Polyposis; MUTYH-related attenuated familial adenomatous polyposis; COLORECTAL ADENOMATOUS POLYPOSIS, AUTOSOMAL RECESSIVE; ADENOMAS, MULTIPLE COLORECTAL, AUTOSOMAL RECESSIVE; Adenomas, multiple colorectal. Identifiers: Orphanet 220460, Orphanet 247798, MedGen C3272841, MONDO:0012041, OMIM 608456.

Submissions (2):

Labcorp Genetics (formerly Invitae), Labcorp
Classification: Likely pathogenic for Familial adenomatous polyposis 2. Last evaluated: 2019-09-26. Review status: criteria provided, single submitter. Criteria: Invitae Variant Classification Sherloc (09022015). Collection method: clinical testing. Allele origin: germline.
Comment: This variant results in the deletion of part of exon 13 (c.1187-32_1199del) of the MUTYH gene. It is expected to disrupt RNA splicing and likely results in an absent or disrupted protein product. In summary, the currently available evidence indicates that the variant is pathogenic, but additional data are needed to prove that conclusively. Therefore, this variant has been classified as Likely Pathogenic. Loss-of-function variants in MUTYH are known to be pathogenic (PMID: 18534194, 20663686). This variant has not been reported in the literature in individuals with MUTYH-related conditions. ClinVar contains an entry for this variant (Variation ID: 265534).

GeneDx
Classification: Pathogenic. Last evaluated: 2015-12-21. Review status: criteria provided, single submitter. Criteria: GeneDx Variant Classification (06012015). Collection method: clinical testing. Allele origin: germline. Affected: yes.
Comment: This apparently homozygous variant is denoted MUTYH c.1187-32_1199del45 and consists of a deletion of 45 nucleotides at the -32 position of intron 12. The normal sequence, with the deletion in braces, is gagg{del45}ACTG, where the capital letters are exonic and lowercase are intronic. MUTYH c.1187-32_1199del45 was not observed in approximately 6,500 individuals of European and African American ancestry in the NHLBI Exome Variant Server, indicating it is not a common benign variant in these populations. This variant destroys a canonical splice acceptor site and is predicted to cause abnormal gene splicing, leading to either an abnormal message that is subject to nonsense-mediated mRNA decay or to an abnormal protein product. This variant has not, to our knowledge, been published in the literature. Based on the currently available information, we consider MUTYH c.1187-32_1199del45 to be pathogenic.

Literature cited by the submitters: PubMed 18534194 (cited by Labcorp Genetics (formerly Invitae), Labcorp); PubMed 20663686 (cited by Labcorp Genetics (formerly Invitae), Labcorp).